The following is an entry in ClinVar:

ClinVar aggregate classification (germline): Uncertain significance (1 of 4 stars; one submission).

Conditions:
Neuronal ceroid lipofuscinosis. Also called: Neuronal Ceroid Lipofuscinoses. Identifiers: Orphanet 216, Orphanet 79263, MedGen C0027877, MONDO:0016295. Disease mechanism: loss of function.

Submission:

Labcorp Genetics (formerly Invitae), Labcorp
Classification: Uncertain significance for Neuronal ceroid lipofuscinosis. Last evaluated: 2023-10-06. Review status: criteria provided, single submitter. Criteria: Invitae Variant Classification Sherloc (09022015). Collection method: clinical testing. Allele origin: germline.
Comment: This sequence change replaces threonine, which is neutral and polar, with leucine, which is neutral and non-polar, at codon 146 of the DNAJC5 protein (p.Thr146Leu). Information on the frequency of this variant in the gnomAD database is not available, as this variant may be reported differently in the database. This variant has not been reported in the literature in individuals affected with DNAJC5-related conditions. An algorithm developed to predict the effect of missense changes on protein structure and function (PolyPhen-2) suggests that this variant is likely to be tolerated. In summary, the available evidence is currently insufficient to determine the role of this variant in disease. Therefore, it has been classified as a Variant of Uncertain Significance.

NM_025219.3(DNAJC5):c.436_437delinsTT (p.Thr146Leu)

Gene: DNAJC5 (DnaJ heat shock protein family (Hsp40) member C5; plus strand). Cytogenetic location: 20q13.33.
Variant type: Indel.
Coding change: c.436_437delinsTT on transcript NM_025219.3 (MANE Select); coding-DNA positions 436 to 437, AC replaced by TT.
Protein change: p.Thr146Leu; replaces threonine 146 with leucine.
Molecular consequence: missense variant.
Genome position (GRCh38, 1-based): chr20:63,930,965-63,930,966, AC replaced by TT. VCF-style: chr20-63930965-AC-TT. GRCh37 (hg19) VCF-style: chr20-62562318-AC-TT.
Other names: short protein forms T146L.
Identifiers: ClinVar variation 2766377 (VCV002766377.3), dbSNP rs2516801817, ClinGen allele CA2697547474.
Genomic context (GRCh38, chr20:63,930,965, plus strand): 5'-TGCTGCTGCTTCAACTGCTGCTGCGGGAAGTGTAAGCCCAAGGCGCCTGAAGGCGAGGAG[AC>TT]GGAGTTCTACGTGTCCCCCGAGGATCTGGAGGCACAGCTGCAGTCTGACGAGAGGGGTGA-3'
Protein context (NP_079495.1, residues 136-156): CKPKAPEGEE[Thr146Leu]EFYVSPEDLE